The following is an entry in ClinVar:

ClinVar aggregate classification (germline): Pathogenic. Review status: reviewed by expert panel (3 of 4 stars). 6 submissions from 6 submitters: Pathogenic (1). 5 of the submissions do not count toward it. Last evaluated 2018-08-10.

Conditions:
Phenylketonuria (PKU). Also called: Phenylketonuria (PKU); FOLLING DISEASE; OLIGOPHRENIA PHENYLPYRUVICA; Phenylketonurias. Identifiers: Orphanet 716, MedGen C0031485, MONDO:0009861, OMIM 261600. Disease mechanism: loss of function.

Submissions (6):

ClinGen PAH Variant Curation Expert Panel
Classification: Pathogenic for Phenylketonuria. Last evaluated: 2018-08-10. Review status: reviewed by expert panel. Criteria: ClinGen PAH ACMG Specifications v1. Collection method: curation. Allele origin: germline. Inheritance: Autosomal recessive inheritance.
Comment: PAH-specific ACMG/AMP criteria applied: PM2: Absent from ExAC, gnomAD, 1000G, ESP; PVS1: Frameshift variant; PP4_Moderate: Reported in patients with PAH deficiency. Bh4 defects excluded. (PMID:9634518). In summary this variant meets criteria to be classified as pathogenic for phenylketonuria in an autosomal recessive manner based on the ACMG/AMP criteria applied as specified by the PAH Expert Panel: (PM2, PVS1, PP4_Moderate).

Women's Health and Genetics/Laboratory Corporation of America, LabCorp
Classification: Pathogenic for Phenylketonuria. Last evaluated: 2023-11-15. Review status: criteria provided, single submitter. Criteria: LabCorp Variant Classification Summary - May 2015. Collection method: clinical testing. Allele origin: germline. Not counted in ClinVar's aggregate classification.
Comment: Variant summary: PAH c.1024delG (p.Ala342HisfsX58) results in a premature termination codon, predicted to cause a truncation of the encoded protein or absence of the protein due to nonsense mediated decay, which are commonly known mechanisms for disease. Variants downstream of this position have been classified as pathogenic by our laboratory. The variant was absent in 251246 control chromosomes. c.1024delG has been reported in the literature in individuals affected with Phenylalanine Hydroxylase Deficiency (Phenylketonuria) (e.g. Guldber_1998, Li_2015, Zhu_2013, Liu_2015). These data indicate that the variant is likely to be associated with disease. To our knowledge, no experimental evidence demonstrating an impact on protein function has been reported. The following publications have been ascertained in the context of this evaluation (PMID: 9634518, 26503515, 23932990, 26600521). Four submitters have cited clinical-significance assessments for this variant to ClinVar after 2014. All submitters classified the variant as pathogenic. Based on the evidence outlined above, the variant was classified as pathogenic.

Labcorp Genetics (formerly Invitae), Labcorp
Classification: Pathogenic for Phenylketonuria. Last evaluated: 2021-08-12. Review status: criteria provided, single submitter. Criteria: Invitae Variant Classification Sherloc (09022015). Collection method: clinical testing. Allele origin: germline. Not counted in ClinVar's aggregate classification.
Comment: This variant has been observed in individual(s) with phenylketonuria (PMID: 26503515, 26600521). This variant is also known as c.1023del (p.A342Hfs*59). ClinVar contains an entry for this variant (Variation ID: 102475). This sequence change creates a premature translational stop signal (p.Ala342Hisfs*58) in the PAH gene. It is expected to result in an absent or disrupted protein product. Loss-of-function variants in PAH are known to be pathogenic (PMID: 1301187, 9634518). This variant is not present in population databases (ExAC no frequency). For these reasons, this variant has been classified as Pathogenic.

GeneDx
Classification: Pathogenic. Last evaluated: 2017-03-28. Review status: criteria provided, single submitter. Criteria: GeneDx Variant Classification (06012015). Collection method: clinical testing. Allele origin: germline. Affected: yes. Not counted in ClinVar's aggregate classification.
Comment: The c.1024delG pathogenic variant has been reported previously in association with PKU (Guldberg et al., 1998; Liu et al., 2015). The deletion causes a frameshift starting with codon Alanine 342, changes this amino acid to a Histidine residue and creates a premature Stop codon at position 58 of the new reading frame, denoted p.Ala342HisfsX58. This pathogenic variant is predicted to cause loss of normal protein function either through protein truncation or nonsense-mediated mRNA decay.

Counsyl
Classification: Pathogenic for Phenylketonuria. Last evaluated: 2016-06-03. Review status: no assertion criteria provided. Collection method: clinical testing. Allele origin: unknown. Not counted in ClinVar's aggregate classification.

DeBelle Laboratory for Biochemical Genetics, MUHC/MCH RESEARCH INSTITUTE
No classification provided. Review status: no classification provided. Collection method: not provided. Allele origin: not provided. Not counted in ClinVar's aggregate classification.

Literature cited by the submitters: PubMed 9634518 (cited by 4 submitters); PubMed 26503515 (cited by 3 submitters); PubMed 23932990 (cited by Women's Health and Genetics/Laboratory Corporation of America, LabCorp and Counsyl); PubMed 26600521 (cited by 3 submitters); PubMed 1301187 (cited by Labcorp Genetics (formerly Invitae), Labcorp); PubMed 10394930 (cited by Counsyl).

NM_000277.3(PAH):c.1024del (p.Ala342fs)

Gene: PAH (phenylalanine hydroxylase; minus strand). Cytogenetic location: 12q23.2.
Variant type: Deletion.
Coding change: c.1024del on transcript NM_000277.3 (MANE Select); coding-DNA position 1024, one base deleted (G; older notation c.1024delG).
Protein change: p.Ala342fs; shifts the reading frame from alanine 342.
Molecular consequence: frameshift variant.
Genome position (GRCh38, 1-based): chr12:102,844,377, C deleted on the plus strand (G on the coding strand, the reverse complement: PAH is on the minus strand); the first of 2 consecutive C bases (chr12:102,844,377-102,844,378); deleting either gives the same sequence. VCF-style (leftmost placement, unchanged base first): chr12-102844376-GC-G. GRCh37 (hg19) VCF-style: chr12-103238154-GC-G.
Other names: NM_000277.2(PAH):c.1024delG; c.1024del, p.Ala342fs (NM_001354304.2); c.1024delG (NM_000277.3); short protein forms A342fs.
Identifiers: ClinVar variation 102475 (VCV000102475.17), dbSNP rs63581460, ClinGen allele CA229279.